The following is an entry in ClinVar:

NM_004380.3(CREBBP):c.5679C>T (p.Pro1893=)

Gene: CREBBP (CREB binding lysine acetyltransferase; minus strand). Cytogenetic location: 16p13.3.
Variant type: single nucleotide variant.
Coding change: c.5679C>T on transcript NM_004380.3 (MANE Select); coding-DNA position 5679, C replaced by T.
Protein change: p.Pro1893=; no amino-acid change (proline 1893 retained).
Molecular consequence: synonymous variant.
Genome position (GRCh38, 1-based): chr16:3,729,368, G>A on the plus strand (C>T on the coding strand, the complement: CREBBP is on the minus strand). VCF-style: chr16-3729368-G-A. GRCh37 (hg19) VCF-style: chr16-3779369-G-A.
Other names: c.5565C>T, p.Pro1855= (NM_001079846.1).
Identifiers: ClinVar variation 3770788 (VCV003770788.13).
Genomic context (GRCh38, chr16:3,729,368, plus strand): 5'-GGGTGAGGGTTGGGGCTGGGCAGGGGGCTGCGGCGTCTGGGGTGTGCTGGGCTGCTGTGT[G>A]GGGGTCCCGGGCGGTGCTGAGGTAGGAGAAGGCAGACTCTGCTGAGGCACGTTGCGGGTG-3'
Protein context (NP_004371.2, residues 1883-1903): PSPTSAPPGT[Pro1893=]TQQPSTPQTP

ClinVar aggregate classification (germline): Likely benign (1 of 4 stars; one submission).

Submission:

CeGaT Center for Human Genetics Tuebingen
Classification: Likely benign. Last evaluated: 2025-02-01. Review status: criteria provided, single submitter. Criteria: CeGaT Center For Human Genetics Tuebingen Variant Classification Criteria Version 2. Collection method: clinical testing. Allele origin: germline. Affected: yes. Observed: 1 variant allele.
Comment: CREBBP: BP4, BP7